The following is an entry in ClinVar:

ClinVar aggregate classification (germline): Uncertain significance (1 of 4 stars; one submission).

gnomAD v4.1: 1 of 1,614,010 alleles (0.000062%); highest among the groups gnomAD compares: African/African-American, 0.0013%; no homozygotes.

Submission:

GeneDx
Classification: Uncertain significance. Last evaluated: 2025-01-06. Review status: criteria provided, single submitter. Criteria: GeneDx Variant Classification Process June 2021. Collection method: clinical testing. Allele origin: germline. Affected: yes.
Comment: Not observed at significant frequency in large population cohorts (gnomAD); In silico analysis indicates that this missense variant does not alter protein structure/function; Has not been previously published as pathogenic or benign to our knowledge

NM_006421.5(ARFGEF1):c.812A>T (p.Asp271Val)

Gene: ARFGEF1 (ARF guanine nucleotide exchange factor 1; minus strand). Cytogenetic location: 8q13.2.
Variant type: single nucleotide variant.
Coding change: c.812A>T on transcript NM_006421.5 (MANE Select); coding-DNA position 812, A replaced by T.
Protein change: p.Asp271Val; replaces aspartic acid 271 with valine.
Molecular consequence: missense variant. On other transcripts: 5 prime UTR variant (1), non-coding transcript variant (1).
Genome position (GRCh38, 1-based): chr8:67,291,951, T>A on the plus strand (A>T on the coding strand, the complement: ARFGEF1 is on the minus strand). VCF-style: chr8-67291951-T-A. GRCh37 (hg19) VCF-style: chr8-68204186-T-A.
Other names: c.812A>T, p.Asp271Val (NM_001413184.1, NM_001413185.1, NM_001413186.1 and 7 more transcripts); c.212A>T, p.Asp71Val (NM_001413188.1, NM_001413193.1, NM_001413197.1); c.-304A>T (NM_001413196.1); short protein forms D71V, D271V.
Identifiers: ClinVar variation 4056029 (VCV004056029.1).